The following is an entry in ClinVar:

ClinVar aggregate classification (germline): Uncertain significance (1 of 4 stars; one submission).

Conditions:
Facioscapulohumeral muscular dystrophy 2 (FSHD2). Also called: MUSCULAR DYSTROPHY, FACIOSCAPULOHUMERAL, TYPE 1B; FACIOSCAPULOHUMERAL MUSCULAR DYSTROPHY 2, DIGENIC; FSHD2, DIGENIC. Identifiers: Orphanet 269, MedGen C1834671, MONDO:0008031, OMIM 158901.

Submission:

Labcorp Genetics (formerly Invitae), Labcorp
Classification: Uncertain significance for Facioscapulohumeral muscular dystrophy 2. Last evaluated: 2021-12-03. Review status: criteria provided, single submitter. Criteria: Invitae Variant Classification Sherloc (09022015). Collection method: clinical testing. Allele origin: germline.
Comment: This sequence change replaces methionine, which is neutral and non-polar, with leucine, which is neutral and non-polar, at codon 1612 of the SMCHD1 protein (p.Met1612Leu). This variant is not present in population databases (gnomAD no frequency). This variant has not been reported in the literature in individuals affected with SMCHD1-related conditions. Algorithms developed to predict the effect of missense changes on protein structure and function (SIFT, PolyPhen-2, Align-GVGD) all suggest that this variant is likely to be tolerated. In summary, the available evidence is currently insufficient to determine the role of this variant in disease. Therefore, it has been classified as a Variant of Uncertain Significance.

NM_015295.3(SMCHD1):c.4834A>T (p.Met1612Leu)

Gene: SMCHD1 (structural maintenance of chromosomes flexible hinge domain containing 1; plus strand). Cytogenetic location: 18p11.32.
Variant type: single nucleotide variant.
Coding change: c.4834A>T on transcript NM_015295.3 (MANE Select); coding-DNA position 4834, A replaced by T.
Protein change: p.Met1612Leu; replaces methionine 1612 with leucine.
Molecular consequence: missense variant.
Genome position (GRCh38, 1-based): chr18:2,769,808, A>T. VCF-style: chr18-2769808-A-T. GRCh37 (hg19) VCF-style: chr18-2769806-A-T.
Other names: short protein forms M1612L.
Identifiers: ClinVar variation 1446580 (VCV001446580.6), dbSNP rs370675357, ClinGen allele CA401681883.